The following is an entry in ClinVar:

ClinVar aggregate classification (germline): Likely pathogenic (1 of 4 stars; one submission).

Submission:

GeneDx
Classification: Likely pathogenic. Last evaluated: 2017-05-15. Review status: criteria provided, single submitter. Criteria: GeneDx Variant Classification (06012015). Collection method: clinical testing. Allele origin: germline. Affected: yes.
Comment: The M403I variant in the TUBB3 gene has not been reported previously as a pathogenic variant, nor as a benign variant, to our knowledge. The M403I variant is not observed in large population cohorts (Lek et al., 2016; 1000 Genomes Consortium et al., 2015; Exome Variant Server). The M403I variant is a conservative amino acid substitution, which is not likely to impact secondary protein structure as these residues share similar properties. However, this substitution occurs at a position that is conserved across species, and in silico analysis predicts this variant is probably damaging to the protein structure/function. Therefore, we interpret M403I as a likely pathogenic variant.

NM_006086.4(TUBB3):c.1209G>C (p.Met403Ile)

Gene: TUBB3 (tubulin beta 3 class III; plus strand). Cytogenetic location: 16q24.3.
Variant type: single nucleotide variant.
Coding change: c.1209G>C on transcript NM_006086.4 (MANE Select); coding-DNA position 1209, G replaced by C.
Protein change: p.Met403Ile; replaces methionine 403 with isoleucine.
Molecular consequence: missense variant.
Genome position (GRCh38, 1-based): chr16:89,935,660, G>C. VCF-style: chr16-89935660-G-C. GRCh37 (hg19) VCF-style: chr16-90002068-G-C.
Other names: c.993G>C, p.Met331Ile (NM_001197181.2); short protein forms M331I, M403I.
Identifiers: ClinVar variation 429849 (VCV000429849.2), dbSNP rs1131691632, ClinGen allele CA397476968.